The following is an entry in ClinVar:

NM_021008.4(DEAF1):c.773A>G (p.Tyr258Cys)

Gene: DEAF1 (DEAF1 transcription factor; minus strand). Cytogenetic location: 11p15.5.
Variant type: single nucleotide variant.
Coding change: c.773A>G on transcript NM_021008.4 (MANE Select); coding-DNA position 773, A replaced by G.
Protein change: p.Tyr258Cys; replaces tyrosine 258 with cysteine.
Molecular consequence: missense variant. On other transcripts: intron variant (1).
Genome position (GRCh38, 1-based): chr11:686,889, T>C on the plus strand (A>G on the coding strand, the complement: DEAF1 is on the minus strand). VCF-style: chr11-686889-T-C. GRCh37 (hg19) VCF-style: chr11-686889-T-C.
Other names: c.47A>G, p.Tyr16Cys (NM_001367390.1, NM_001440885.1, NM_001440886.1 and 1 more transcripts); c.773A>G, p.Tyr258Cys (NM_001440883.1, NM_001440884.1); c.664+1022A>G (NM_001293634.2); short protein forms Y16C, Y258C.
Identifiers: ClinVar variation 2754701 (VCV002754701.3), dbSNP rs1860616774, ClinGen allele CA378931970.

ClinVar aggregate classification (germline): Uncertain significance (1 of 4 stars; one submission).

Allele frequency attached by ClinVar (database versions not stated): gnomAD exomes below 0.00001.
gnomAD v4.1: 2 of 1,614,250 alleles (0.00012%); highest among the groups gnomAD compares: Non-Finnish European, 0.00017%; no homozygotes.

Submission:

Labcorp Genetics (formerly Invitae), Labcorp
Classification: Uncertain significance. Last evaluated: 2024-01-25. Review status: criteria provided, single submitter. Criteria: Invitae Variant Classification Sherloc (09022015). Collection method: clinical testing. Allele origin: germline.
Comment: This sequence change replaces tyrosine, which is neutral and polar, with cysteine, which is neutral and slightly polar, at codon 258 of the DEAF1 protein (p.Tyr258Cys). This variant is not present in population databases (gnomAD no frequency). This variant has not been reported in the literature in individuals affected with DEAF1-related conditions. Advanced modeling of protein sequence and biophysical properties (such as structural, functional, and spatial information, amino acid conservation, physicochemical variation, residue mobility, and thermodynamic stability) performed at Invitae indicates that this missense variant is expected to disrupt DEAF1 protein function with a positive predictive value of 95%. In summary, the available evidence is currently insufficient to determine the role of this variant in disease. Therefore, it has been classified as a Variant of Uncertain Significance.